The following is an entry in ClinVar:

ClinVar aggregate classification (germline): Likely pathogenic (1 of 4 stars; one submission).

Conditions:
Dilated cardiomyopathy 1G (CMD1G). Identifiers: Orphanet 154, MedGen C1858763, MONDO:0011400, OMIM 604145.
Autosomal recessive limb-girdle muscular dystrophy type 2J (LGMDR10). Also called: Limb-girdle muscular dystrophy, type 2J; MUSCULAR DYSTROPHY, LIMB-GIRDLE, AUTOSOMAL RECESSIVE 10. Identifiers: Orphanet 140922, MedGen C1837342, MONDO:0012127, OMIM 608807.

Submission:

Labcorp Genetics (formerly Invitae), Labcorp
Classification: Likely pathogenic for Dilated cardiomyopathy 1G; Autosomal recessive limb-girdle muscular dystrophy type 2J. Last evaluated: 2024-07-16. Review status: criteria provided, single submitter. Criteria: Invitae Variant Classification Sherloc (09022015). Collection method: clinical testing. Allele origin: germline.
Comment: This sequence change affects a donor splice site in intron 307 of the TTN gene. It is expected to disrupt RNA splicing and likely results in a truncated or disrupted TTN protein. This variant is not present in population databases (gnomAD no frequency). This variant has not been reported in the literature in individuals affected with TTN-related conditions. Algorithms developed to predict the effect of sequence changes on RNA splicing suggest that this variant may disrupt the consensus splice site. This variant is located in the A band of TTN (PMID: 25589632). Truncating variants in this region are significantly overrepresented in patients affected with dilated cardiomyopathy (PMID: 25589632). Truncating variants in this region have also been reported in individuals affected with autosomal recessive centronuclear myopathy (PMID: 23975875). In summary, the currently available evidence indicates that the variant is pathogenic, but additional data are needed to prove that conclusively. Therefore, this variant has been classified as Likely Pathogenic.

Literature cited by the submitters: PubMed 25589632; PubMed 23975875.

NM_001267550.2(TTN):c.64093+1G>T

Genes: TTN (titin; minus strand), TTN-AS1 (TTN antisense RNA 1; plus strand). Cytogenetic location: 2q31.2.
Variant type: single nucleotide variant.
Coding change: c.64093+1G>T on transcript NM_001267550.2 (MANE Select); the canonical splice donor site of the intron after coding-DNA position 64093, G replaced by T.
Molecular consequence: splice donor variant.
Genome position (GRCh38, 1-based): chr2:178,587,117, C>A on the plus strand (G>T on the coding strand, the complement: TTN is on the minus strand). VCF-style: chr2-178587117-C-A. GRCh37 (hg19) VCF-style: chr2-179451844-C-A.
Other names: c.36898+1G>T (NM_003319.4); c.37474+1G>T (NM_133437.4); c.37273+1G>T (NM_133432.3); c.56389+1G>T (NM_133378.4); c.59170+1G>T (NM_001256850.1).
Identifiers: ClinVar variation 3756975 (VCV003756975.2).